The following is an entry in ClinVar:

ClinVar aggregate classification (germline): Uncertain significance. Review status: criteria provided, multiple submitters, no conflicts (2 of 4 stars). 2 submissions from 2 submitters: Uncertain significance (2). Last evaluated 2024-04-24.

Allele frequency attached by ClinVar (database versions not stated): ExAC 0.00001; TOPMed 0.00002.

Submissions (2):

Women's Health and Genetics/Laboratory Corporation of America, LabCorp
Classification: Uncertain significance. Last evaluated: 2024-04-24. Review status: criteria provided, single submitter. Criteria: LabCorp Variant Classification Summary - May 2015. Collection method: clinical testing. Allele origin: germline.
Comment: Variant summary: CAD c.887G>A (p.Gly296Glu) results in a non-conservative amino acid change located in the Glutamine amidotransferase (IPR017926) of the encoded protein sequence. Five of five in-silico tools predict a damaging effect of the variant on protein function. The variant allele was found at a frequency of 2.4e-05 in 251446 control chromosomes. The available data on variant occurrences in the general population are insufficient to allow any conclusion about variant significance. c.887G>A has been reported in the literature in individuals affected with CAD deficiency (del Cano_2020). These report(s) do not provide unequivocal conclusions about association of the variant with Early Infantile Epileptic Encephalopathy, 50. At least one publication reports experimental evidence evaluating an impact on protein function, suggesting an impact on protein function (del Cano-Ochoa_2020) . The following publication have been ascertained in the context of this evaluation (PMID: 32461667). ClinVar contains an entry for this variant (Variation ID: 1355249). Based on the evidence outlined above, the variant was classified as uncertain significance.

Labcorp Genetics (formerly Invitae), Labcorp
Classification: Uncertain significance. Last evaluated: 2022-03-18. Review status: criteria provided, single submitter. Criteria: Invitae Variant Classification Sherloc (09022015). Collection method: clinical testing. Allele origin: germline.
Comment: This sequence change replaces glycine, which is neutral and non-polar, with glutamic acid, which is acidic and polar, at codon 296 of the CAD protein (p.Gly296Glu). This variant is present in population databases (rs746916632, gnomAD 0.01%). This missense change has been observed in individual(s) with clinical features of CAD-related conditions (PMID: 32461667). Algorithms developed to predict the effect of missense changes on protein structure and function are either unavailable or do not agree on the potential impact of this missense change (SIFT: "Deleterious"; PolyPhen-2: "Probably Damaging"; Align-GVGD: "Class C0"). Experimental studies have shown that this missense change affects CAD function (PMID: 32461667). In summary, the available evidence is currently insufficient to determine the role of this variant in disease. Therefore, it has been classified as a Variant of Uncertain Significance.

Literature cited by the submitters: PubMed 32461667 (cited by Women's Health and Genetics/Laboratory Corporation of America, LabCorp and Labcorp Genetics (formerly Invitae), Labcorp).

NM_004341.5(CAD):c.887G>A (p.Gly296Glu)

Gene: CAD (carbamoyl-phosphate synthetase 2, aspartate transcarbamylase, and dihydroorotase; plus strand). Cytogenetic location: 2p23.3.
Variant type: single nucleotide variant.
Coding change: c.887G>A on transcript NM_004341.5 (MANE Select); coding-DNA position 887, G replaced by A.
Protein change: p.Gly296Glu; replaces glycine 296 with glutamic acid.
Molecular consequence: missense variant.
Genome position (GRCh38, 1-based): chr2:27,223,640, G>A. VCF-style: chr2-27223640-G-A. GRCh37 (hg19) VCF-style: chr2-27446508-G-A.
Other names: c.887G>A, p.Gly296Glu (NM_001306079.2); short protein forms G296E.
Identifiers: ClinVar variation 1355249 (VCV001355249.6), dbSNP rs746916632, ClinGen allele CA1572547.
Genomic context (GRCh38, chr2:27,223,640, plus strand): 5'-ATAACCAGCCCTGCTTGTTGGTGGGCTCTGGGCGCTGCTTTCTGACATCCCAGAACCATG[G>A]GTTTGCTGTGGAGACAGACTCACTGCCAGCAGACTGGGCTCCTCTCTTCACCAACGCCAA-3'
Protein context (NP_004332.2, residues 286-306): GRCFLTSQNH[Gly296Glu]FAVETDSLPA